The following is an entry in ClinVar:

ClinVar aggregate classification (germline): Benign/Likely benign. Review status: criteria provided, multiple submitters, no conflicts (2 of 4 stars). 7 submissions from 7 submitters: Benign (1); Likely benign (6). Last evaluated 2026-07-08.

Conditions:
SMARCA4-related disorder. Also called: SMARCA4-related condition.
Hereditary cancer-predisposing syndrome. Also called: Hereditary Cancer Syndrome; Hereditary neoplastic syndrome; Neoplastic Syndromes, Hereditary; Tumor predisposition. Identifiers: Orphanet 140162, MedGen C0027672, MeSH D009386, MONDO:0015356.
Rhabdoid tumor predisposition syndrome 2 (RTPS2). Identifiers: Orphanet 231108, Orphanet 69077, MedGen C2750074, MONDO:0013224, OMIM 613325.

Allele frequency attached by ClinVar (database versions not stated): gnomAD 0.00019; gnomAD exomes 0.00004 and 0.00007; ExAC 0.00007; TOPMed 0.00019; ESP Exome Variant Server 0.00023; 1000 Genomes Project 0.00040; 1000 Genomes Project 30x 0.00031.
gnomAD v4.1: 90 of 1,613,924 alleles (0.0056%); highest among the groups gnomAD compares: African/African-American, 0.049%; no homozygotes.

Submissions (7):

Myriad Genetics, Inc.
Classification: Benign for Rhabdoid tumor predisposition syndrome 2. Last evaluated: 2026-07-08. Review status: criteria provided, single submitter. Criteria: Myriad Autosomal Dominant, Autosomal Recessive and X-Linked Classification Criteria (2023). Collection method: clinical testing. Allele origin: unknown.
Comment: This variant is considered benign. This variant is a silent/synonymous amino acid change and it is not expected to impact splicing.

Labcorp Genetics (formerly Invitae), Labcorp
Classification: Likely benign for Rhabdoid tumor predisposition syndrome 2. Last evaluated: 2026-01-04. Review status: criteria provided, single submitter. Criteria: Invitae Variant Classification Sherloc (09022015). Collection method: clinical testing. Allele origin: germline.

PreventionGenetics, part of Exact Sciences
Classification: Likely benign for SMARCA4-related condition. Last evaluated: 2025-06-01. Review status: criteria provided, single submitter. Criteria: ACMG Guidelines, 2015. Collection method: clinical testing. Allele origin: germline.
Comment: This variant is classified as likely benign based on ACMG/AMP sequence variant interpretation guidelines (Richards et al. 2015 PMID: 25741868, with internal and published modifications).

CeGaT Center for Human Genetics Tuebingen
Classification: Likely benign. Last evaluated: 2024-01-01. Review status: criteria provided, single submitter. Criteria: CeGaT Center For Human Genetics Tuebingen Variant Classification Criteria Version 2. Collection method: clinical testing. Allele origin: germline. Affected: yes. Observed: 3 variant alleles.
Comment: SMARCA4: BP4, BP7

Sema4
Classification: Likely benign for Hereditary cancer-predisposing syndrome. Last evaluated: 2020-10-26. Review status: criteria provided, single submitter. Criteria: Sema4 Curation Guidelines. Collection method: curation. Allele origin: germline.

GeneDx
Classification: Likely benign. Last evaluated: 2017-05-25. Review status: criteria provided, single submitter. Criteria: GeneDx Variant Classification (06012015). Collection method: clinical testing. Allele origin: germline. Affected: yes.
Comment: This variant is considered likely benign or benign based on one or more of the following criteria: it is a conservative change, it occurs at a poorly conserved position in the protein, it is predicted to be benign by multiple in silico algorithms, and/or has population frequency not consistent with disease.

Ambry Genetics
Classification: Likely benign for Hereditary cancer-predisposing syndrome. Last evaluated: 2015-07-07. Review status: criteria provided, single submitter. Criteria: Ambry Variant Classification Scheme 2023. Collection method: clinical testing. Allele origin: germline.

NM_003072.5(SMARCA4):c.417G>A (p.Pro139=)

Gene: SMARCA4 (SWI/SNF related BAF chromatin remodeling complex subunit ATPase 4; plus strand). Cytogenetic location: 19p13.2.
Variant type: single nucleotide variant.
Coding change: c.417G>A on transcript NM_003072.5 (MANE Select); coding-DNA position 417, G replaced by A.
Protein change: p.Pro139=; no amino-acid change (proline 139 retained).
Molecular consequence: synonymous variant. On other transcripts: non-coding transcript variant (1).
Genome position (GRCh38, 1-based): chr19:10,986,250, G>A. VCF-style: chr19-10986250-G-A. GRCh37 (hg19) VCF-style: chr19-11096926-G-A.
Other names: c.417G>A, p.Pro139= (NM_001128848.2, NM_001128849.3, NM_001374457.1 and 5 more transcripts).
Identifiers: ClinVar variation 415068 (VCV000415068.42), dbSNP rs142092395, ClinGen allele CA9203504.